The following is an entry in ClinVar:

NM_006073.4(TRDN):c.1628A>G (p.Gln543Arg)

Gene: TRDN (triadin; minus strand). Cytogenetic location: 6q22.31.
Variant type: single nucleotide variant.
Coding change: c.1628A>G on transcript NM_006073.4 (MANE Select); coding-DNA position 1628, A replaced by G.
Protein change: p.Gln543Arg; replaces glutamine 543 with arginine.
Molecular consequence: missense variant.
Genome position (GRCh38, 1-based): chr6:123,273,008, T>C on the plus strand (A>G on the coding strand, the complement: TRDN is on the minus strand). VCF-style: chr6-123273008-T-C. GRCh37 (hg19) VCF-style: chr6-123594153-T-C.
Other names: short protein forms Q543R.
Identifiers: ClinVar variation 1776733 (VCV001776733.2), dbSNP rs747163205, ClinGen allele CA3983824.

ClinVar aggregate classification (germline): Uncertain significance (1 of 4 stars; one submission).

Conditions:
Cardiovascular phenotype. Identifiers: MedGen CN230736.

Allele frequency attached by ClinVar (database versions not stated): gnomAD 0.00001; ExAC 0.00004.
gnomAD v4.1: 2 of 1,502,680 alleles (0.00013%); highest among the groups gnomAD compares: Admixed American, 0.0027%; no homozygotes.

Submission:

Ambry Genetics
Classification: Uncertain significance for Cardiovascular phenotype. Last evaluated: 2022-10-02. Review status: criteria provided, single submitter. Criteria: Ambry Variant Classification Scheme 2023. Collection method: clinical testing. Allele origin: germline.
Comment: The p.Q543R variant (also known as c.1628A>G), located in coding exon 29 of the TRDN gene, results from an A to G substitution at nucleotide position 1628. The glutamine at codon 543 is replaced by arginine, an amino acid with highly similar properties. This amino acid position is conserved. In addition, this alteration is predicted to be tolerated by in silico analysis. Since supporting evidence is limited at this time, the clinical significance of this alteration remains unclear.